The following is an entry in ClinVar:

ClinVar aggregate classification (germline): Uncertain significance. Review status: criteria provided, multiple submitters, no conflicts (2 of 4 stars). 2 submissions from 2 submitters: Uncertain significance (2). Last evaluated 2024-12-16.

Conditions:
Intellectual developmental disorder with microcephaly and with or without ocular malformations or hypogonadotropic hypogonadism. Also called: Coffin-Siris Syndrome 9; Intellectual disability, autosomal dominant 27. Identifiers: Orphanet 1465, MedGen C4014528, MONDO:0014376, OMIM 615866.

Allele frequency attached by ClinVar (database versions not stated): TOPMed 0.00001.

Submissions (2):

Dasa
Classification: Uncertain significance. Last evaluated: 2024-12-16. Review status: criteria provided, single submitter. Criteria: DASA Assertion Criteria. Collection method: clinical testing. Allele origin: germline.
Comment: NM_003108.4(SOX11):c.1109C>T (p.Ser370Phe) is a missense variant that results in the substitution of serine with phenylalanine. This variant is absent from population databases. The currently available literature and clinical evidence are not sufficient to establish a definitive association between this variant and the reported condition. Therefore, this variant is classified as a variant of uncertain significance.

Mendelics
Classification: Uncertain significance for Intellectual developmental disorder with microcephaly and with or without ocular malformations or hypogonadotropic hypogonadism. Last evaluated: 2019-05-28. Review status: criteria provided, single submitter. Criteria: Mendelics Assertion Criteria 2017. Collection method: clinical testing. Allele origin: unknown.

NM_003108.4(SOX11):c.1109C>T (p.Ser370Phe)

Gene: SOX11 (SRY-box transcription factor 11; plus strand). Cytogenetic location: 2p25.2.
Variant type: single nucleotide variant.
Coding change: c.1109C>T on transcript NM_003108.4 (MANE Select); coding-DNA position 1109, C replaced by T.
Protein change: p.Ser370Phe; replaces serine 370 with phenylalanine.
Molecular consequence: missense variant.
Genome position (GRCh38, 1-based): chr2:5,693,830, C>T. VCF-style: chr2-5693830-C-T. GRCh37 (hg19) VCF-style: chr2-5833962-C-T.
Other names: short protein forms S370F.
Identifiers: ClinVar variation 801648 (VCV000801648.3), dbSNP rs991368727, ClinGen allele CA42006709.